The following is an entry in ClinVar:

NM_015910.7(WDPCP):c.940G>A (p.Ala314Thr)

Gene: WDPCP (WD repeat containing planar cell polarity effector; minus strand). Cytogenetic location: 2p15.
Variant type: single nucleotide variant.
Coding change: c.940G>A on transcript NM_015910.7 (MANE Select); coding-DNA position 940, G replaced by A.
Protein change: p.Ala314Thr; replaces alanine 314 with threonine.
Molecular consequence: missense variant. On other transcripts: non-coding transcript variant (3).
Genome position (GRCh38, 1-based): chr2:63,404,543, C>T on the plus strand (G>A on the coding strand, the complement: WDPCP is on the minus strand). VCF-style: chr2-63404543-C-T. GRCh37 (hg19) VCF-style: chr2-63631678-C-T.
Other names: c.463G>A, p.Ala155Thr (NM_001042692.3); c.868G>A, p.Ala290Thr (NM_001354044.2); c.940G>A, p.Ala314Thr (NM_001354045.2); short protein forms A155T, A290T, A314T.
Identifiers: ClinVar variation 1040784 (VCV001040784.6), dbSNP rs1694413400, ClinGen allele CA347065490.

ClinVar aggregate classification (germline): Uncertain significance (1 of 4 stars; one submission).

Conditions:
Bardet-Biedl syndrome (BBS). Identifiers: Orphanet 110, MedGen C0752166, MONDO:0015229.

Allele frequency attached by ClinVar (database versions not stated): gnomAD exomes below 0.00001; gnomAD 0.00001; TOPMed 0.00003.
gnomAD v4.1: 8 of 1,613,498 alleles (0.0005%); highest among the groups gnomAD compares: African/African-American, 0.004%; no homozygotes.

Submission:

Labcorp Genetics (formerly Invitae), Labcorp
Classification: Uncertain significance for Bardet-Biedl syndrome. Last evaluated: 2022-08-16. Review status: criteria provided, single submitter. Criteria: Invitae Variant Classification Sherloc (09022015). Collection method: clinical testing. Allele origin: germline.
Comment: This sequence change replaces alanine, which is neutral and non-polar, with threonine, which is neutral and polar, at codon 314 of the WDPCP protein (p.Ala314Thr). This variant is not present in population databases (gnomAD no frequency). This variant has not been reported in the literature in individuals affected with WDPCP-related conditions. ClinVar contains an entry for this variant (Variation ID: 1040784). Algorithms developed to predict the effect of missense changes on protein structure and function are either unavailable or do not agree on the potential impact of this missense change (SIFT: "Tolerated"; PolyPhen-2: "Probably Damaging"; Align-GVGD: "Class C0"). In summary, the available evidence is currently insufficient to determine the role of this variant in disease. Therefore, it has been classified as a Variant of Uncertain Significance.